The following is an entry in ClinVar:

NM_000277.3(PAH):c.641A>G (p.Glu214Gly)

Gene: PAH (phenylalanine hydroxylase; minus strand). Cytogenetic location: 12q23.2.
Variant type: single nucleotide variant.
Coding change: c.641A>G on transcript NM_000277.3 (MANE Select); coding-DNA position 641, A replaced by G.
Protein change: p.Glu214Gly; replaces glutamic acid 214 with glycine.
Molecular consequence: missense variant.
Genome position (GRCh38, 1-based): chr12:102,855,201, T>C on the plus strand (A>G on the coding strand, the complement: PAH is on the minus strand). VCF-style: chr12-102855201-T-C. GRCh37 (hg19) VCF-style: chr12-103248979-T-C.
Other names: c.641A>G, p.Glu214Gly (NM_001354304.2); short protein forms E214G.
Identifiers: ClinVar variation 2152160 (VCV002152160.5), dbSNP rs2499626022, ClinGen allele CA386296655.

ClinVar aggregate classification (germline): Likely pathogenic. Review status: criteria provided, multiple submitters, no conflicts (2 of 4 stars). 2 submissions from 2 submitters: Likely pathogenic (2). Last evaluated 2023-07-04.

Conditions:
Phenylketonuria (PKU). Also called: Phenylketonuria (PKU); OLIGOPHRENIA PHENYLPYRUVICA; FOLLING DISEASE; Phenylketonurias. Identifiers: Orphanet 716, MedGen C0031485, MONDO:0009861, OMIM 261600. Disease mechanism: loss of function.

Allele frequency attached by ClinVar (database versions not stated): gnomAD exomes below 0.00001.
gnomAD v4.1: 2 of 1,614,216 alleles (0.00012%); highest among the groups gnomAD compares: Non-Finnish European, 0.00017%; no homozygotes.

Submissions (2):

Baylor Genetics
Classification: Likely pathogenic for Phenylketonuria. Last evaluated: 2023-07-04. Review status: criteria provided, single submitter. Criteria: ACMG Guidelines, 2015. Collection method: clinical testing. Allele origin: unknown.

Labcorp Genetics (formerly Invitae), Labcorp
Classification: Likely pathogenic for Phenylketonuria. Last evaluated: 2022-05-04. Review status: criteria provided, single submitter. Criteria: Invitae Variant Classification Sherloc (09022015). Collection method: clinical testing. Allele origin: germline.
Comment: This sequence change replaces glutamic acid, which is acidic and polar, with glycine, which is neutral and non-polar, at codon 214 of the PAH protein (p.Glu214Gly). This variant is not present in population databases (gnomAD no frequency). This missense change has been observed in individual(s) with hyperphenylalaninemia (PMID: 31102715). Advanced modeling of protein sequence and biophysical properties (such as structural, functional, and spatial information, amino acid conservation, physicochemical variation, residue mobility, and thermodynamic stability) performed at Invitae indicates that this missense variant is expected to disrupt PAH protein function. Experimental studies have shown that this missense change affects PAH function (PMID: 31102715). In summary, the currently available evidence indicates that the variant is pathogenic, but additional data are needed to prove that conclusively. Therefore, this variant has been classified as Likely Pathogenic.

Literature cited by the submitters: PubMed 31102715 (cited by Labcorp Genetics (formerly Invitae), Labcorp).